The following is an entry in ClinVar:

ClinVar aggregate classification (germline): Uncertain significance (1 of 4 stars; one submission).

Conditions:
Inborn genetic diseases. Identifiers: MedGen C0950123, MeSH D030342.

Allele frequency attached by ClinVar (database versions not stated): TOPMed below 0.00001.
gnomAD v4.1: 10 of 1,606,784 alleles (0.00062%); highest among the groups gnomAD compares: East Asian, 0.022%; no homozygotes.

Submission:

Ambry Genetics
Classification: Uncertain significance for Inborn genetic diseases. Last evaluated: 2021-12-03. Review status: criteria provided, single submitter. Criteria: Ambry Variant Classification Scheme 2023. Collection method: clinical testing. Allele origin: germline.
Comment: The p.G130A variant (also known as c.389G>C), located in coding exon 5 of the DNAJB2 gene, results from a G to C substitution at nucleotide position 389. The glycine at codon 130 is replaced by alanine, an amino acid with similar properties. This amino acid position is conserved. In addition, this alteration is predicted to be tolerated by in silico analysis. Since supporting evidence is limited at this time, the clinical significance of this alteration remains unclear.

NM_006736.6(DNAJB2):c.389G>C (p.Gly130Ala)

Gene: DNAJB2 (DnaJ heat shock protein family (Hsp40) member B2; plus strand). Cytogenetic location: 2q35.
Variant type: single nucleotide variant.
Coding change: c.389G>C on transcript NM_006736.6 (MANE Select); coding-DNA position 389, G replaced by C.
Protein change: p.Gly130Ala; replaces glycine 130 with alanine.
Molecular consequence: missense variant.
Genome position (GRCh38, 1-based): chr2:219,282,873, G>C. VCF-style: chr2-219282873-G-C. GRCh37 (hg19) VCF-style: chr2-220147595-G-C.
Other names: c.389G>C, p.Gly130Ala (NM_001039550.2); short protein forms G130A.
Identifiers: ClinVar variation 1735983 (VCV001735983.2), dbSNP rs747909517, ClinGen allele CA350649651.